The following is an entry in ClinVar:

ClinVar aggregate classification (germline): Pathogenic (1 of 4 stars; one submission).

Conditions:
Alpha thalassemia-X-linked intellectual disability syndrome (ATRX). Also called: ALPHA-THALASSEMIA/MENTAL RETARDATION SYNDROME, X-LINKED; ATR, NONDELETION TYPE; ATR-X syndrome; Alpha thalassemia mental retardation syndrome, nondeletion type, X-linked; XLMR hypotonic face syndrome; X-linked alpha-thalassemia-mental retardation syndrome. Identifiers: Orphanet 847, MedGen C1845055, MONDO:0010519, OMIM 301040.

Submission:

Labcorp Genetics (formerly Invitae), Labcorp
Classification: Pathogenic for Alpha thalassemia-X-linked intellectual disability syndrome. Last evaluated: 2023-11-27. Review status: criteria provided, single submitter. Criteria: Invitae Variant Classification Sherloc (09022015). Collection method: clinical testing. Allele origin: germline.
Comment: This sequence change creates a premature translational stop signal (p.Glu723Aspfs*9) in the ATRX gene. It is expected to result in an absent or disrupted protein product. Loss-of-function variants in ATRX are known to be pathogenic (PMID: 15591283, 18409179, 23681356). This variant is not present in population databases (gnomAD no frequency). This variant has not been reported in the literature in individuals affected with ATRX-related conditions. For these reasons, this variant has been classified as Pathogenic.

Literature cited by the submitters: PubMed 15591283; PubMed 18409179; PubMed 23681356.

NM_000489.6(ATRX):c.2169_2170del (p.Glu723fs)

Gene: ATRX (ATRX chromatin remodeler; minus strand). Cytogenetic location: Xq21.1.
Variant type: Microsatellite.
Coding change: c.2169_2170del on transcript NM_000489.6 (MANE Select); coding-DNA positions 2169 to 2170, 2 bases deleted (GA; older notation c.2169_2170delGA).
Protein change: p.Glu723fs; shifts the reading frame from glutamic acid 723.
Molecular consequence: frameshift variant.
Genome position (GRCh38, 1-based): chrX:77,683,086-77,683,087, TC deleted on the plus strand (GA on the coding strand, the reverse complement: ATRX is on the minus strand); deleting any 2 consecutive bases within chrX:77,683,086-77,683,090 gives the same sequence; the c. name uses the placement nearest the transcript's 3' end. VCF-style (leftmost placement, unchanged base first): chrX-77683085-GTC-G. GRCh37 (hg19) VCF-style: chrX-76938577-GTC-G.
Other names: c.2055_2056del, p.Glu685fs (NM_138270.5); short protein forms E685fs, E723fs.
Identifiers: ClinVar variation 2699273 (VCV002699273.3), dbSNP rs2519954454, ClinGen allele CA645616324.